The following is an entry in ClinVar:

NM_001330311.2(DVL1):c.1929G>A (p.Pro643=)

Gene: DVL1 (dishevelled segment polarity protein 1; minus strand). Cytogenetic location: 1p36.33.
Variant type: single nucleotide variant.
Coding change: c.1929G>A on transcript NM_001330311.2 (MANE Select); coding-DNA position 1929, G replaced by A.
Protein change: p.Pro643=; no amino-acid change (proline 643 retained).
Molecular consequence: synonymous variant.
Genome position (GRCh38, 1-based): chr1:1,336,301, C>T on the plus strand (G>A on the coding strand, the complement: DVL1 is on the minus strand). VCF-style: chr1-1336301-C-T. GRCh37 (hg19) VCF-style: chr1-1271681-C-T.
Other names: c.1854G>A, p.Pro618= (NM_004421.3); c.1854G>A (NM_004421.2).
Identifiers: ClinVar variation 2888472 (VCV002888472.5), dbSNP rs770548436, ClinGen allele CA519769.

ClinVar aggregate classification (germline): Likely benign. Review status: criteria provided, single submitter (1 of 4 stars). 2 submissions from 2 submitters: Likely benign (1). 1 of the submissions does not count toward it. Last evaluated 2024-10-24.

Conditions:
DVL1-related disorder. Also called: DVL1-related condition.

Allele frequency attached by ClinVar (database versions not stated): gnomAD exomes 0.00004; TOPMed 0.00006; ExAC 0.00007.
gnomAD v4.1: 55 of 1,557,078 alleles (0.0035%); highest among the groups gnomAD compares: Admixed American, 0.0075%; no homozygotes.

Submissions (2):

Labcorp Genetics (formerly Invitae), Labcorp
Classification: Likely benign. Last evaluated: 2024-10-24. Review status: criteria provided, single submitter. Criteria: Invitae Variant Classification Sherloc (09022015). Collection method: clinical testing. Allele origin: germline.

PreventionGenetics, part of Exact Sciences
Classification: Likely benign for DVL1-related condition. Last evaluated: 2019-02-18. Review status: no assertion criteria provided. Collection method: clinical testing. Allele origin: germline. Not counted in ClinVar's aggregate classification.
Comment: This variant is classified as likely benign based on ACMG/AMP sequence variant interpretation guidelines (Richards et al. 2015 PMID: 25741868, with internal and published modifications).